The following is an entry in ClinVar:

NM_004006.3(DMD):c.10224-1G>T

Gene: DMD (dystrophin; minus strand). Cytogenetic location: Xp21.2.
Variant type: single nucleotide variant.
Coding change: c.10224-1G>T on transcript NM_004006.3 (MANE Select); the canonical splice acceptor site of the intron before coding-DNA position 10224, G replaced by T.
Molecular consequence: splice acceptor variant. On other transcripts: intron variant (5).
Genome position (GRCh38, 1-based): chrX:31,177,971, C>A on the plus strand (G>T on the coding strand, the complement: DMD is on the minus strand). VCF-style: chrX-31177971-C-A. GRCh37 (hg19) VCF-style: chrX-31196088-C-A.
Other names: c.10200-1G>T (NM_000109.4); c.6201-1G>T (NM_004011.4); c.6192-1G>T (NM_004012.4); c.2843+698G>T (NM_004023.3, NM_004020.4, NM_004022.3); c.2844-1G>T (NM_004021.3, NM_004013.3); c.2037-1G>T (NM_004014.3); c.1019+698G>T (NM_004018.3, NM_004017.3); c.1020-1G>T (NM_004016.3, NM_004015.3); and 2 more.
Identifiers: ClinVar variation 5004527 (VCV005004527.1).
Genomic context (GRCh38, chrX:31,177,971, plus strand): 5'-TTCAGCAAAAAAAGTACTCACGCAGAATCTACTGGCCAGAAGTTGATCAGAGTAACGGGA[C>A]TGCAAAACAAAAAATGAGGTGGTGAAGGAGACACACGCAAACTCAGCCGCAAAAAAATTT-3'

ClinVar aggregate classification (germline): Uncertain significance (1 of 4 stars; one submission).

Conditions:
Progressive muscular dystrophy. Identifiers: Orphanet 206644, MedGen C4551827, MONDO:0016106.

Submission:

Myriad Genetics, Inc.
Classification: Uncertain significance for Progressive muscular dystrophy. Last evaluated: 2026-03-10. Review status: criteria provided, single submitter. Criteria: Myriad Autosomal Dominant, Autosomal Recessive and X-Linked Classification Criteria (2023). Collection method: clinical testing. Allele origin: unknown.
Comment: NM_004006.2(DMD):c.10224-1G>T is a variant in a canonical splice site classified as a variant of uncertain significance in the context of dystrophinopathy (including Duchenne/Becker muscular dystrophy). c.10224-1G>T has not been observed in cases with relevant disease. Relevant functional assessments of this variant are not available in the literature. c.10224-1G>T has not been observed in referenced population frequency databases. In summary, there is insufficient evidence to classify NM_004006.2(DMD):c.10224-1G>T as pathogenic or benign. Please note: this variant was assessed in the context of healthy population screening.